The following is an entry in ClinVar:

ClinVar aggregate classification (germline): Conflicting classifications of pathogenicity. Review status: criteria provided, conflicting classifications (1 of 4 stars). 2 submissions from 2 submitters: Uncertain significance (1); Likely benign (1). Last evaluated 2024-06-25.

Conditions:
Immunodeficiency, common variable, 7. Identifiers: Orphanet 1572, Orphanet 696894, MedGen C3542922, MONDO:0013862, OMIM 614699.

Allele frequency attached by ClinVar (database versions not stated): gnomAD exomes below 0.00001; TOPMed below 0.00001.

Submissions (2):

Labcorp Genetics (formerly Invitae), Labcorp
Classification: Uncertain significance for Immunodeficiency, common variable, 7. Last evaluated: 2024-06-25. Review status: criteria provided, single submitter. Criteria: Invitae Variant Classification Sherloc (09022015). Collection method: clinical testing. Allele origin: germline.
Comment: This sequence change falls in intron 17 of the CR2 gene. It does not directly change the encoded amino acid sequence of the CR2 protein. It affects a nucleotide within the consensus splice site. This variant is not present in population databases (gnomAD no frequency). This variant has not been reported in the literature in individuals affected with CR2-related conditions. ClinVar contains an entry for this variant (Variation ID: 945784). Variants that disrupt the consensus splice site are a relatively common cause of aberrant splicing (PMID: 17576681, 9536098). Algorithms developed to predict the effect of sequence changes on RNA splicing suggest that this variant may disrupt the consensus splice site. In summary, the available evidence is currently insufficient to determine the role of this variant in disease. Therefore, it has been classified as a Variant of Uncertain Significance.

Blueprint Genetics
Classification: Likely benign. Last evaluated: 2021-02-08. Review status: criteria provided, single submitter. Criteria: ACMG Guidelines, 2015. Collection method: clinical testing. Allele origin: germline.

Literature cited by the submitters: PubMed 17576681 (cited by Labcorp Genetics (formerly Invitae), Labcorp); PubMed 9536098 (cited by Labcorp Genetics (formerly Invitae), Labcorp).

NM_001006658.3(CR2):c.3112+6T>C

Gene: CR2 (complement C3d receptor 2; plus strand). Cytogenetic location: 1q32.2.
Variant type: single nucleotide variant.
Coding change: c.3112+6T>C on transcript NM_001006658.3 (MANE Select); 6 bases into the intron after coding-DNA position 3112, T replaced by C.
Molecular consequence: intron variant.
Genome position (GRCh38, 1-based): chr1:207,479,286, T>C. VCF-style: chr1-207479286-T-C. GRCh37 (hg19) VCF-style: chr1-207652631-T-C.
Other names: c.2935+6T>C (NM_001877.5).
Identifiers: ClinVar variation 945784 (VCV000945784.9), dbSNP rs1658533878, ClinGen allele CA422957267.